The following is an entry in ClinVar:

NM_024426.6(WT1):c.1555C>T (p.Gln519Ter)

Gene: WT1 (WT1 transcription factor; minus strand). Cytogenetic location: 11p13.
Variant type: single nucleotide variant.
Coding change: c.1555C>T on transcript NM_024426.6 (MANE Select); coding-DNA position 1555, C replaced by T.
Protein change: p.Gln519Ter; replaces glutamine 519 with a stop codon.
Molecular consequence: nonsense. On other transcripts: non-coding transcript variant (1).
Genome position (GRCh38, 1-based): chr11:32,389,072, G>A on the plus strand (C>T on the coding strand, the complement: WT1 is on the minus strand). VCF-style: chr11-32389072-G-A. GRCh37 (hg19) VCF-style: chr11-32410618-G-A.
Other names: c.1495C>T, p.Gln499Ter (NM_000378.6); c.895C>T, p.Gln299Ter (NM_001198551.2); c.853C>T, p.Gln285Ter (NM_001198552.2); c.367C>T, p.Gln123Ter (NM_001367854.1); c.1540C>T, p.Gln514Ter (NM_001407044.1); c.1504C>T, p.Gln502Ter (NM_001407045.1); c.1462C>T, p.Gln488Ter (NM_001407046.1); c.1423C>T, p.Gln475Ter (NM_001407047.1); and 6 more; short protein forms Q285*, Q499*, Q123*, Q519*, Q299*, Q516*, Q265*, Q471*.
Identifiers: ClinVar variation 846725 (VCV000846725.9), dbSNP rs866837692, ClinGen allele CA219471700.

ClinVar aggregate classification (germline): Uncertain significance. Review status: criteria provided, multiple submitters, no conflicts (2 of 4 stars). 3 submissions from 3 submitters: Uncertain significance (3). Last evaluated 2025-04-30.

Conditions:
Inborn genetic diseases. Identifiers: MedGen C0950123, MeSH D030342.
Wilms tumor 1 (WT1). Also called: Wilms tumor, somatic. Identifiers: Orphanet 654, MedGen CN033288, MONDO:0008679, OMIM 194070.
Frasier syndrome. Identifiers: Orphanet 347, MedGen C0950122, MeSH D052159, MONDO:0007635, OMIM 136680.
Drash syndrome (DDS). Also called: WILMS TUMOR AND PSEUDO- OR TRUE HERMAPHRODITISM; NEPHROPATHY, WILMS TUMOR, AND GENITAL ANOMALIES. Identifiers: Orphanet 220, MedGen C0950121, MONDO:0008682, OMIM 194080.
11p partial monosomy syndrome (WAGR). Also called: WAGR Complex; WAGR syndrome; WAGR Spectrum Disorder; CHROMOSOME 11p13 DELETION SYNDROME. Identifiers: Orphanet 893, MedGen C0206115, MONDO:0008681, OMIM 194072.

Allele frequency attached by ClinVar (database versions not stated): gnomAD exomes below 0.00001; gnomAD 0.00001.

Submissions (3):

Ambry Genetics
Classification: Uncertain significance for Inborn genetic diseases. Last evaluated: 2025-04-30. Review status: criteria provided, single submitter. Criteria: Ambry Variant Classification Scheme 2023. Collection method: clinical testing. Allele origin: germline.
Comment: The p.Q514* variant (also known as c.1540C>T), located in coding exon 10 of the WT1 gene, results from a C to T substitution at nucleotide position 1540. This changes the amino acid from a glutamine to a stop codon within coding exon 10. This alteration occurs at the 3' terminus of theWT1 gene, is not expected to trigger nonsense-mediated mRNAdecay, and only impacts the last 4 amino acids of the protein. The exact functional effect of this alteration is unknown. Based on the available evidence, the clinical significance of this variant remains unclear.

Labcorp Genetics (formerly Invitae), Labcorp
Classification: Uncertain significance for Wilms tumor 1; Drash syndrome; 11p partial monosomy syndrome; Frasier syndrome. Last evaluated: 2023-11-14. Review status: criteria provided, single submitter. Criteria: Invitae Variant Classification Sherloc (09022015). Collection method: clinical testing. Allele origin: germline.
Comment: This sequence change creates a premature translational stop signal (p.Gln514*) in the WT1 gene. While this is not anticipated to result in nonsense mediated decay, it is expected to disrupt the last 4 amino acid(s) of the WT1 protein. This variant is not present in population databases (gnomAD no frequency). This variant has not been reported in the literature in individuals affected with WT1-related conditions. ClinVar contains an entry for this variant (Variation ID: 846725). Experimental studies and prediction algorithms are not available or were not evaluated, and the functional significance of this variant is currently unknown. Algorithms developed to predict the effect of sequence changes on RNA splicing suggest that this variant may disrupt the consensus splice site. In summary, the available evidence is currently insufficient to determine the role of this variant in disease. Therefore, it has been classified as a Variant of Uncertain Significance.

All of Us Research Program, National Institutes of Health
Classification: Uncertain significance for Wilms tumor 1. Last evaluated: 2023-05-04. Review status: criteria provided, single submitter. Criteria: ACMG Guidelines, 2015. Collection method: clinical testing. Allele origin: germline. Inheritance: Autosomal dominant inheritance. Observed: 1 variant allele, 1 heterozygote.
Comment: This variant changes 1 nucleotide in exon 10 of the WT1 gene, creating a frameshift and premature translation stop signal in the last coding exon. This variant is predicted to escape nonsense-mediated decay and be expressed as a truncated protein. This variant is also known as c.1555C>T (p.Gln519*) based on different reference transcripts (NM_024426.5/NM_024426.6). To our knowledge, this variant has not been reported in individuals affected with hereditary cancer in the literature. This variant has been identified in 1/251432 chromosomes in the general population by the Genome Aggregation Database (gnomAD). Loss of WT1 function is a known mechanism of disease. The available evidence is insufficient to determine the role of this variant in disease conclusively. Therefore, this variant is classified as a Variant of Uncertain Significance.

This study involves interpretation of variants in research participants for the purpose of population health screening. Participant phenotype was not available at the time of variant classification. Additional details can be found in publication PMID: 35346344, PMCID: PMC8962531